The following is an entry in ClinVar:

NM_000182.5(HADHA):c.1162A>T (p.Ile388Leu)

Genes: HADHA (hydroxyacyl-CoA dehydrogenase trifunctional multienzyme complex subunit alpha; minus strand), GAREM2 (GRB2 associated regulator of MAPK1 subtype 2; plus strand). Cytogenetic location: 2p23.3.
Variant type: single nucleotide variant.
Coding change: c.1162A>T on transcript NM_000182.5 (MANE Select); coding-DNA position 1162, A replaced by T.
Protein change: p.Ile388Leu; replaces isoleucine 388 with leucine.
Molecular consequence: missense variant.
Genome position (GRCh38, 1-based): chr2:26,204,120, T>A on the plus strand (A>T on the coding strand, the complement: HADHA is on the minus strand). VCF-style: chr2-26204120-T-A. GRCh37 (hg19) VCF-style: chr2-26426989-T-A.
Other names: short protein forms I388L.
Identifiers: ClinVar variation 844920 (VCV000844920.6), dbSNP rs370054250, ClinGen allele CA1559653.

ClinVar aggregate classification (germline): Uncertain significance. Review status: criteria provided, multiple submitters, no conflicts (2 of 4 stars). 3 submissions from 3 submitters: Uncertain significance (2). 1 of the submissions does not count toward it. Last evaluated 2024-03-07.

Conditions:
Mitochondrial trifunctional protein deficiency. Identifiers: Orphanet 746, MedGen C1969443, MONDO:0012172.
Long chain 3-hydroxyacyl-CoA dehydrogenase deficiency. Also called: LCHAD Deficiency; Deficiency of long-chain 3-hydroxyacyl-coenzyme A dehydrogenase. Identifiers: Orphanet 5, MedGen C3711645, MONDO:0012173, OMIM 609016.
Inborn genetic diseases. Identifiers: MedGen C0950123, MeSH D030342.

Allele frequency attached by ClinVar (database versions not stated): ESP Exome Variant Server 0.00008.
gnomAD v4.1: 11 of 1,613,744 alleles (0.00068%); highest among the groups gnomAD compares: Admixed American, 0.0083%; no homozygotes.

Submissions (3):

Ambry Genetics
Classification: Uncertain significance for Inborn genetic diseases. Last evaluated: 2024-03-07. Review status: criteria provided, single submitter. Criteria: Ambry Variant Classification Scheme 2023. Collection method: clinical testing. Allele origin: germline.

Labcorp Genetics (formerly Invitae), Labcorp
Classification: Uncertain significance for Mitochondrial trifunctional protein deficiency; Long chain 3-hydroxyacyl-CoA dehydrogenase deficiency. Last evaluated: 2022-03-26. Review status: criteria provided, single submitter. Criteria: Invitae Variant Classification Sherloc (09022015). Collection method: clinical testing. Allele origin: germline.
Comment: This sequence change replaces isoleucine, which is neutral and non-polar, with leucine, which is neutral and non-polar, at codon 388 of the HADHA protein (p.Ile388Leu). This variant is present in population databases (rs370054250, gnomAD 0.009%). This variant has not been reported in the literature in individuals affected with HADHA-related conditions. ClinVar contains an entry for this variant (Variation ID: 844920). Advanced modeling of protein sequence and biophysical properties (such as structural, functional, and spatial information, amino acid conservation, physicochemical variation, residue mobility, and thermodynamic stability) performed at Invitae indicates that this missense variant is not expected to disrupt HADHA protein function. In summary, the available evidence is currently insufficient to determine the role of this variant in disease. Therefore, it has been classified as a Variant of Uncertain Significance.

Natera, Inc.
Classification: Uncertain significance for Deficiency of long-chain 3-hydroxyacyl-coenzyme A dehydrogenase. Last evaluated: 2020-10-21. Review status: no assertion criteria provided. Collection method: clinical testing. Allele origin: germline. Not counted in ClinVar's aggregate classification.